The following is an entry in ClinVar:

NM_001159699.2(FHL1):c.-10T>G

Gene: FHL1 (four and a half LIM domains 1; plus strand). Cytogenetic location: Xq26.3.
Variant type: single nucleotide variant.
Coding change: c.-10T>G on transcript NM_001159699.2 (MANE Select); 10 bases upstream of the start codon, T replaced by G.
Molecular consequence: 5 prime UTR variant. On other transcripts: intron variant (12).
Genome position (GRCh38, 1-based): chrX:136,197,103, T>G. VCF-style: chrX-136197103-T-G. GRCh37 (hg19) VCF-style: chrX-135279262-T-G.
Other names: c.-10T>G (NM_001330659.2); c.-26-9304T>G (NM_001159702.3, NM_001449.5, NM_001159703.2 and 8 more transcripts); c.61+240T>G (NM_001159701.2).
Identifiers: ClinVar variation 3048123 (VCV003048123.2), dbSNP rs2521114370, ClinGen allele CA2740090212.

ClinVar aggregate classification (germline): Likely benign (0 of 4 stars; one submission).

Conditions:
FHL1-related disorder. Also called: FHL1-related disorders; FHL1-related condition.

Submission:

PreventionGenetics, part of Exact Sciences
Classification: Likely benign for FHL1-related condition. Last evaluated: 2022-10-11. Review status: no assertion criteria provided. Collection method: clinical testing. Allele origin: germline.
Comment: This variant is classified as likely benign based on ACMG/AMP sequence variant interpretation guidelines (Richards et al. 2015 PMID: 25741868, with internal and published modifications).